The following is an entry in ClinVar:

ClinVar aggregate classification (germline): Likely benign. Review status: criteria provided, single submitter (1 of 4 stars). 2 submissions from 2 submitters: Likely benign (1). 1 of the submissions does not count toward it. Last evaluated 2024-08-26.

Conditions:
NOTCH2-related disorder. Also called: NOTCH2-related condition.
Hajdu-Cheney syndrome (HJCYS). Also called: SERPENTINE FIBULA-POLYCYSTIC KIDNEY SYNDROME; Acroosteolysis dominant type; ACROOSTEOLYSIS WITH OSTEOPOROSIS AND CHANGES IN SKULL AND MANDIBLE. Identifiers: Orphanet 955, MedGen C0917715, MONDO:0007057, OMIM 102500.

Allele frequency attached by ClinVar (database versions not stated): gnomAD exomes below 0.00001; ExAC 0.00002; gnomAD 0.00002; TOPMed 0.00002.
gnomAD v4.1: 12 of 1,614,000 alleles (0.00074%); highest among the groups gnomAD compares: African/African-American, 0.0027%; no homozygotes.

Submissions (2):

Labcorp Genetics (formerly Invitae), Labcorp
Classification: Likely benign for Hajdu-Cheney syndrome. Last evaluated: 2024-08-26. Review status: criteria provided, single submitter. Criteria: Invitae Variant Classification Sherloc (09022015). Collection method: clinical testing. Allele origin: germline.

PreventionGenetics, part of Exact Sciences
Classification: Likely benign for NOTCH2-related condition. Last evaluated: 2021-04-22. Review status: no assertion criteria provided. Collection method: clinical testing. Allele origin: germline. Not counted in ClinVar's aggregate classification.
Comment: This variant is classified as likely benign based on ACMG/AMP sequence variant interpretation guidelines (Richards et al. 2015 PMID: 25741868, with internal and published modifications).

NM_024408.4(NOTCH2):c.1347A>G (p.Ala449=)

Gene: NOTCH2 (notch receptor 2; minus strand). Cytogenetic location: 1p12.
Variant type: single nucleotide variant.
Coding change: c.1347A>G on transcript NM_024408.4 (MANE Select); coding-DNA position 1347, A replaced by G.
Protein change: p.Ala449=; no amino-acid change (alanine 449 retained).
Molecular consequence: synonymous variant.
Genome position (GRCh38, 1-based): chr1:119,967,539, T>C on the plus strand (A>G on the coding strand, the complement: NOTCH2 is on the minus strand). VCF-style: chr1-119967539-T-C. GRCh37 (hg19) VCF-style: chr1-120510162-T-C.
Other names: c.1347A>G, p.Ala449= (NM_001200001.2); c.1347A>G (NM_024408.3).
Identifiers: ClinVar variation 2740356 (VCV002740356.5), dbSNP rs781923111, ClinGen allele CA1040560.